The following is an entry in ClinVar:

ClinVar aggregate classification (germline): Pathogenic/Likely pathogenic. Review status: criteria provided, multiple submitters, no conflicts (2 of 4 stars). 3 submissions from 3 submitters: Pathogenic (1); Likely pathogenic (1). 1 of the submissions does not count toward it. Last evaluated 2025-06-06.

Conditions:
Cryopyrin associated periodic syndrome (CAPS). Identifiers: Orphanet 208650, MedGen C2316212, MONDO:0016168.
Chronic infantile neurological, cutaneous and articular syndrome (CINCA). Also called: CHRONIC NEUROLOGIC CUTANEOUS AND ARTICULAR SYNDROME; CINCA syndrome; CRYOPYRIN-ASSOCIATED PERIODIC SYNDROME 3; Prieur Griscelli syndrome. Identifiers: Orphanet 1451, MedGen C0409818, MONDO:0011776, OMIM 607115.

Submissions (3):

Women's Health and Genetics/Laboratory Corporation of America, LabCorp
Classification: Likely pathogenic for Cryopyrin associated periodic syndrome. Last evaluated: 2025-06-06. Review status: criteria provided, single submitter. Criteria: LabCorp Variant Classification Summary - May 2015. Collection method: clinical testing. Allele origin: germline.
Comment: Variant summary: NLRP3 c.784_786delinsTGG (p.Arg262Trp) results in a non-conservative amino acid change in the encoded protein sequence. Algorithms developed to predict the effect of missense changes on protein structure and function are either unavailable or do not agree on the potential impact of this missense change. The variant was absent in 251380 control chromosomes. c.784_786delinsTGG has been observed in individual(s) affected with Cryopyrin Associated Periodic Syndrome and one of the individual has been reported to have this variant as a de novo change (Wagner_2022, Liu_2023, Frohne_2024). These data indicate that the variant is likely to be associated with disease. To our knowledge, no experimental evidence demonstrating an impact on protein function has been reported. The following publications have been ascertained in the context of this evaluation (PMID: 38400873, 36765385, 34904355). ClinVar contains an entry for this variant (Variation ID: 1701129). Based on the evidence outlined above, the variant was classified as likely pathogenic.

CeGaT Center for Human Genetics Tuebingen
Classification: Pathogenic. Last evaluated: 2019-10-01. Review status: criteria provided, single submitter. Criteria: CeGaT Center For Human Genetics Tuebingen Variant Classification Criteria Version 2. Collection method: clinical testing. Allele origin: germline. Affected: yes. Observed: 4 variant alleles.

Zotz-Klimas Genetics Lab, MVZ Zotz Klimas
Classification: Pathogenic for Chronic infantile neurological, cutaneous and articular syndrome. Last evaluated: 2023-10-09. Review status: no assertion criteria provided. Collection method: clinical testing. Allele origin: germline. Affected: yes. Not counted in ClinVar's aggregate classification.

Literature cited by the submitters: PubMed 38400873 (cited by Women's Health and Genetics/Laboratory Corporation of America, LabCorp); PubMed 36765385 (cited by Women's Health and Genetics/Laboratory Corporation of America, LabCorp); PubMed 34904355 (cited by Women's Health and Genetics/Laboratory Corporation of America, LabCorp).

NM_001243133.2(NLRP3):c.778_780delinsTGG (p.Arg260Trp)

Gene: NLRP3 (NLR family pyrin domain containing 3; plus strand). Cytogenetic location: 1q44.
Variant type: Indel.
Coding change: c.778_780delinsTGG on transcript NM_001243133.2 (MANE Select); coding-DNA positions 778 to 780, CGA replaced by TGG.
Protein change: p.Arg260Trp; replaces arginine 260 with tryptophan.
Molecular consequence: missense variant.
Genome position (GRCh38, 1-based): chr1:247,424,227-247,424,229, CGA replaced by TGG. VCF-style: chr1-247424227-CGA-TGG. GRCh37 (hg19) VCF-style: chr1-247587529-CGA-TGG.
Other names: c.778_780delinsTGG, p.Arg260Trp (NM_001079821.3, NM_001127461.3, NM_001127462.3 and 1 more transcripts); c.784_786delinsTGG, p.Arg262Trp (NM_004895.5); short protein forms R260W, R262W.
Identifiers: ClinVar variation 1701129 (VCV001701129.32), dbSNP rs2103107063, ClinGen allele CA2580063582.